The following is an entry in ClinVar:

NM_015915.5(ATL1):c.349_351delinsCAA (p.Glu117Gln)

Gene: ATL1 (atlastin GTPase 1; plus strand). Cytogenetic location: 14q22.1.
Variant type: Indel.
Coding change: c.349_351delinsCAA on transcript NM_015915.5 (MANE Select); coding-DNA positions 349 to 351, GAG replaced by CAA.
Protein change: p.Glu117Gln; replaces glutamic acid 117 with glutamine.
Molecular consequence: missense variant.
Genome position (GRCh38, 1-based): chr14:50,591,007-50,591,009, GAG replaced by CAA. VCF-style: chr14-50591007-GAG-CAA. GRCh37 (hg19) VCF-style: chr14-51057725-GAG-CAA.
Other names: c.349_351delinsCAA, p.Glu117Gln (NM_001127713.1, NM_181598.4); c.349_351delGAGinsCAA, p.Glu117Gln (NM_015915.4); short protein forms E117Q.
Identifiers: ClinVar variation 4527663 (VCV004527663.1).

ClinVar aggregate classification (germline): Uncertain significance (1 of 4 stars; one submission).

Submission:

GeneDx
Classification: Uncertain significance. Last evaluated: 2025-04-25. Review status: criteria provided, single submitter. Criteria: GeneDx Variant Classification Process June 2021. Collection method: clinical testing. Allele origin: germline. Affected: yes.
Comment: Not observed at significant frequency in large population cohorts (gnomAD); In silico analysis supports a deleterious effect on protein structure/function; Has not been previously published as pathogenic or benign to our knowledge; This variant is associated with the following publications: (PMID: 23334294)